The following is an entry in ClinVar:

ClinVar aggregate classification (germline): Uncertain significance (1 of 4 stars; one submission).

Conditions:
Familial cold autoinflammatory syndrome 2 (FCAS2). Identifiers: Orphanet 247868, MedGen C2673198, MONDO:0012724, OMIM 611762.

Allele frequency attached by ClinVar (database versions not stated): gnomAD exomes below 0.00001.
gnomAD v4.1: 1 of 1,614,184 alleles (0.000062%); highest among the groups gnomAD compares: South Asian, 0.0011%; no homozygotes.

Submission:

Labcorp Genetics (formerly Invitae), Labcorp
Classification: Uncertain significance for Familial cold autoinflammatory syndrome 2. Last evaluated: 2024-02-24. Review status: criteria provided, single submitter. Criteria: Invitae Variant Classification Sherloc (09022015). Collection method: clinical testing. Allele origin: germline.
Comment: This sequence change replaces histidine, which is basic and polar, with tyrosine, which is neutral and polar, at codon 228 of the NLRP12 protein (p.His228Tyr). This variant is present in population databases (no rsID available, gnomAD 0.003%). This variant has not been reported in the literature in individuals affected with NLRP12-related conditions. ClinVar contains an entry for this variant (Variation ID: 1715763). Advanced modeling of protein sequence and biophysical properties (such as structural, functional, and spatial information, amino acid conservation, physicochemical variation, residue mobility, and thermodynamic stability) performed at Invitae indicates that this missense variant is expected to disrupt NLRP12 protein function with a positive predictive value of 80%. In summary, the available evidence is currently insufficient to determine the role of this variant in disease. Therefore, it has been classified as a Variant of Uncertain Significance.

NM_144687.4(NLRP12):c.682C>T (p.His228Tyr)

Gene: NLRP12 (NLR family pyrin domain containing 12; minus strand). Cytogenetic location: 19q13.42.
Variant type: single nucleotide variant.
Coding change: c.682C>T on transcript NM_144687.4 (MANE Select); coding-DNA position 682, C replaced by T.
Protein change: p.His228Tyr; replaces histidine 228 with tyrosine.
Molecular consequence: missense variant.
Genome position (GRCh38, 1-based): chr19:53,810,977, G>A on the plus strand (C>T on the coding strand, the complement: NLRP12 is on the minus strand). VCF-style: chr19-53810977-G-A. GRCh37 (hg19) VCF-style: chr19-54314231-G-A.
Other names: c.682C>T, p.His228Tyr (NM_001277126.2, NM_001277129.1); short protein forms H228Y.
Identifiers: ClinVar variation 1715763 (VCV001715763.5), dbSNP rs897917849, ClinGen allele CA310071136.